The following is an entry in ClinVar:

ClinVar aggregate classification (germline): Uncertain significance (1 of 4 stars; one submission).

Conditions:
Deficiency of alpha-mannosidase (MANSA). Also called: Alpha-Mannosidosis; Mannosidosis, alpha-, types I and II; LYSOSOMAL ALPHA-D-MANNOSIDASE DEFICIENCY. Identifiers: Orphanet 61, MedGen C0024748, MONDO:0009561, OMIM 248500.

Allele frequency attached by ClinVar (database versions not stated): gnomAD exomes below 0.00001; TOPMed below 0.00001; gnomAD 0.00001.
gnomAD v4.1: 7 of 1,613,812 alleles (0.00043%); highest among the groups gnomAD compares: Non-Finnish European, 0.00059%; no homozygotes.

Submission:

Labcorp Genetics (formerly Invitae), Labcorp
Classification: Uncertain significance for Deficiency of alpha-mannosidase. Last evaluated: 2026-01-26. Review status: criteria provided, single submitter. Criteria: Invitae Variant Classification Sherloc (09022015). Collection method: clinical testing. Allele origin: germline.
Comment: This sequence change replaces asparagine, which is neutral and polar, with threonine, which is neutral and polar, at codon 523 of the MAN2B1 protein (p.Asn523Thr). This variant is not present in population databases (gnomAD no frequency). This variant has not been reported in the literature in individuals affected with MAN2B1-related conditions. ClinVar contains an entry for this variant (Variation ID: 1025185). Invitae Evidence Modeling of protein sequence and biophysical properties (such as structural, functional, and spatial information, amino acid conservation, physicochemical variation, residue mobility, and thermodynamic stability) indicates that this missense variant is not expected to disrupt MAN2B1 protein function with a negative predictive value of 95%. In summary, the available evidence is currently insufficient to determine the role of this variant in disease. Therefore, it has been classified as a Variant of Uncertain Significance.

NM_000528.4(MAN2B1):c.1568A>C (p.Asn523Thr)

Gene: MAN2B1 (mannosidase alpha class 2B member 1; minus strand). Cytogenetic location: 19p13.13.
Variant type: single nucleotide variant.
Coding change: c.1568A>C on transcript NM_000528.4 (MANE Select); coding-DNA position 1568, A replaced by C.
Protein change: p.Asn523Thr; replaces asparagine 523 with threonine.
Molecular consequence: missense variant.
Genome position (GRCh38, 1-based): chr19:12,656,647, T>G on the plus strand (A>C on the coding strand, the complement: MAN2B1 is on the minus strand). VCF-style: chr19-12656647-T-G. GRCh37 (hg19) VCF-style: chr19-12767461-T-G.
Other names: c.1565A>C, p.Asn522Thr (NM_001173498.2); short protein forms N522T, N523T.
Identifiers: ClinVar variation 1025185 (VCV001025185.3), dbSNP rs2023967508, ClinGen allele CA404245767.
Genomic context (GRCh38, chr19:12,656,647, plus strand): 5'-CTGCCATTGGGGTCCTTCACAACGAAAACGCCTTCGCTGACCGGCAGCCGTACCATCCAA[T>G]TCACCTTCCGCCCCAGGGGATTATAAACGATGACCTGGAACTGGGGAGGCGGGGGTCAGA-3'
Protein context (NP_000519.2, residues 513-533): IVYNPLGRKV[Asn523Thr]WMVRLPVSEG